The following is an entry in ClinVar:

NM_001283009.2(RTEL1):c.1481+8C>G

Genes: RTEL1 (regulator of telomere elongation helicase 1; plus strand), RTEL1-TNFRSF6B (RTEL1-TNFRSF6B readthrough (NMD candidate); plus strand). Cytogenetic location: 20q13.33.
Variant type: single nucleotide variant.
Coding change: c.1481+8C>G on transcript NM_001283009.2 (MANE Select); 8 bases into the intron after coding-DNA position 1481, C replaced by G.
Molecular consequence: intron variant.
Genome position (GRCh38, 1-based): chr20:63,687,778, C>G. VCF-style: chr20-63687778-C-G. GRCh37 (hg19) VCF-style: chr20-62319131-C-G.
Other names: c.812+8C>G (NM_001283010.1); c.1553+8C>G (NM_032957.5); c.1481+8C>G (NM_016434.4).
Identifiers: ClinVar variation 1692610 (VCV001692610.1), dbSNP rs758734115, ClinGen allele CA636615119.

ClinVar aggregate classification (germline): Uncertain significance (1 of 4 stars; one submission).

Conditions:
Dyskeratosis congenita. Identifiers: Orphanet 1775, MedGen C0265965, MONDO:0015780.

gnomAD v4.1: 1 of 1,563,566 alleles (0.000064%); highest among the groups gnomAD compares: African/African-American, 0.0014%; no homozygotes.

Submission:

Sema4
Classification: Uncertain significance for Dyskeratosis congenita. Last evaluated: 2021-06-30. Review status: criteria provided, single submitter. Criteria: Sema4 Curation Guidelines. Collection method: curation. Allele origin: germline.
Comment: The RTEL1 c.1481+8C>G variant has not been reported in the literature to our knowledge. It was observed in 1/10372 chromosomes of the African/African American subpopulation in the large and broad cohorts of the Genome Aggregation Database. The variant has not been reported in ClinVar. In silico tools suggest that the variant does not impact splicing, though these predictions have not been confirmed by functional studies. The evidence is insufficient to meet ACMG/AMP criteria for classifying the variant as benign or pathogenic. Thus, the clinical significance of this variant is currently uncertain.